The following is an entry in ClinVar:

ClinVar aggregate classification (germline): Benign. Review status: criteria provided, multiple submitters, no conflicts (2 of 4 stars). 14 submissions from 12 submitters: Benign (10). 4 of the submissions do not count toward it. Last evaluated 2026-02-04.

Conditions:
Neuropathy, hereditary sensory, type 2C. Also called: Hereditary sensory and autonomic neuropathy type IIC; KIF1A-Related HSAN2 (HSAN2C). Identifiers: Orphanet 970, MedGen C3280168, MONDO:0013634, OMIM 614213.
Intellectual disability, autosomal dominant 9 (NESCAVS). Also called: NESCAV SYNDROME; KIF1A-Related Neurodevelopmental Disorder. Identifiers: Orphanet 662367, MedGen C5393830, MONDO:0013656, OMIM 614255.
Hereditary spastic paraplegia 30. Identifiers: Orphanet 101010, MedGen C5235139, MONDO:0012476.
Hereditary spastic paraplegia. Also called: Familial spastic paraparesis. Identifiers: Orphanet 685, MedGen C0037773, MONDO:0019064. Disease mechanism: loss of function.

Allele frequency attached by ClinVar (database versions not stated): ESP Exome Variant Server 0.18526; gnomAD 0.22160 and 0.23553; TOPMed 0.22687; gnomAD exomes 0.28425 and 0.34731; 1000 Genomes Project 30x 0.28607; 1000 Genomes Project 0.29093.
gnomAD v4.1: 431,187 of 1,543,814 alleles (28%); highest among the groups gnomAD compares: South Asian, 48%; 66,318 homozygotes.

Submissions (14):

Labcorp Genetics (formerly Invitae), Labcorp
Classification: Benign for Hereditary spastic paraplegia 30; Neuropathy, hereditary sensory, type 2C; Intellectual disability, autosomal dominant 9. Last evaluated: 2026-02-04. Review status: criteria provided, single submitter. Criteria: Invitae Variant Classification Sherloc (09022015). Collection method: clinical testing. Allele origin: germline.

Blueprint Genetics
Classification: Benign. Last evaluated: 2024-11-26. Review status: criteria provided, single submitter. Criteria: ACMG Guidelines, 2015. Collection method: clinical testing. Allele origin: germline.

Genome-Nilou Lab
Classification: Benign for Intellectual disability, autosomal dominant 9. Last evaluated: 2021-08-19. Review status: criteria provided, single submitter. Criteria: ACMG Guidelines, 2015. Collection method: clinical testing. Allele origin: germline. Affected: no.

Genome-Nilou Lab
Classification: Benign for Neuropathy, hereditary sensory, type 2C. Last evaluated: 2021-08-19. Review status: criteria provided, single submitter. Criteria: ACMG Guidelines, 2015. Collection method: clinical testing. Allele origin: germline. Affected: no.

Genome-Nilou Lab
Classification: Benign for Spastic paraplegia 30A, autosomal dominant. Last evaluated: 2021-08-19. Review status: criteria provided, single submitter. Criteria: ACMG Guidelines, 2015. Collection method: clinical testing. Allele origin: germline. Affected: no.

Illumina Laboratory Services, Illumina
Classification: Benign for Spastic paraplegia 30A, autosomal dominant. Last evaluated: 2018-01-12. Review status: criteria provided, single submitter. Criteria: ICSL Variant Classification Criteria 13 December 2019. Collection method: clinical testing. Allele origin: germline.
Comment: This variant was observed in the ICSL laboratory as part of a predisposition screen in an ostensibly healthy population. It had not been previously curated by ICSL or reported in the Human Gene Mutation Database (HGMD: prior to June 1st, 2018), and was therefore a candidate for classification through an automated scoring system. Utilizing variant allele frequency, disease prevalence and penetrance estimates, and inheritance mode, an automated score was calculated to assess if this variant is too frequent to cause the disease. Based on the score and internal cut-off values, a variant classified as benign is not then subjected to further curation. The score for this variant resulted in a classification of benign for this disease.

Genome Diagnostics Laboratory, The Hospital for Sick Children
Classification: Benign for Hereditary spastic paraplegia. Last evaluated: 2016-12-12. Review status: criteria provided, single submitter. Criteria: ACMG Guidelines, 2015. Collection method: clinical testing. Allele origin: germline. Affected: yes.

Mayo Clinic Laboratories, Mayo Clinic
Classification: Benign. Last evaluated: 2015-09-10. Review status: criteria provided, single submitter. Criteria: ACMG Guidelines, 2015. Collection method: clinical testing. Allele origin: germline. Observed: 898 variant alleles.

GeneDx
Classification: Benign. Last evaluated: 2015-03-03. Review status: criteria provided, single submitter. Criteria: GeneDx Variant Classification Process June 2021. Collection method: clinical testing. Allele origin: germline. Affected: yes.

Breakthrough Genomics
Classification: Benign. Review status: criteria provided, single submitter. Criteria: ACMG Guidelines, 2015. Collection method: not provided. Allele origin: germline. Inheritance: Autosomal recessive inheritance. Affected: yes.

Clinical Genetics, Academic Medical Center
Classification: Benign. Review status: no assertion criteria provided. Collection method: clinical testing. Allele origin: germline. Affected: yes. Study: VKGL Data-share Consensus. Not counted in ClinVar's aggregate classification.

Diagnostic Laboratory, Department of Genetics, University Medical Center Groningen
Classification: Benign. Review status: no assertion criteria provided. Collection method: clinical testing. Allele origin: germline. Affected: yes. Study: VKGL Data-share Consensus. Not counted in ClinVar's aggregate classification.

Genetic Services Laboratory, University of Chicago
Classification: Likely benign for AllHighlyPenetrant. Review status: no assertion criteria provided. Collection method: clinical testing. Allele origin: germline. Not counted in ClinVar's aggregate classification.
Comment: Likely benign based on allele frequency in 1000 Genomes Project or ESP global frequency and its presence in a patient with a rare or unrelated disease phenotype. NOT Sanger confirmed.

Joint Genome Diagnostic Labs from Nijmegen and Maastricht, Radboudumc and MUMC+
Classification: Benign. Review status: no assertion criteria provided. Collection method: clinical testing. Allele origin: germline. Affected: yes. Study: VKGL Data-share Consensus. Not counted in ClinVar's aggregate classification.

NM_001244008.2(KIF1A):c.3641-8C>T

Gene: KIF1A (kinesin family member 1A; minus strand). Cytogenetic location: 2q37.3.
Variant type: single nucleotide variant.
Coding change: c.3641-8C>T on transcript NM_001244008.2 (MANE Select); 8 bases into the intron before coding-DNA position 3641, C replaced by T.
Molecular consequence: intron variant.
Genome position (GRCh38, 1-based): chr2:240,741,385, G>A on the plus strand (C>T on the coding strand, the complement: KIF1A is on the minus strand). VCF-style: chr2-240741385-G-A. GRCh37 (hg19) VCF-style: chr2-241680802-G-A.
Other names: p.?; c.3338-8C>T (NM_001379653.1, NM_001379650.1, NM_001379641.1 and 5 more transcripts); c.3614-8C>T (NM_001379645.1, NM_001379633.1, NM_001379642.1); c.3440-8C>T (NM_001379635.1, NM_001330290.2, NM_001379646.1 and 1 more transcripts); c.3335-8C>T (NM_001379640.1); c.3590-8C>T (NM_001379632.1); c.3413-8C>T (NM_001379637.1, NM_001379648.1); c.3365-8C>T (NM_001320705.2, NM_001379638.1, NM_001330289.2); and 1 more.
Identifiers: ClinVar variation 129391 (VCV000129391.33), dbSNP rs56024577, ClinGen allele CA153369.
Genomic context (GRCh38, chr2:240,741,385, plus strand): 5'-GTGGCAGGGTCCCGGACAGGGCCGCGTCAGTGTGCTGAGCTTGGTGGCGGGCACTGTAGG[G>A]ACAGGAGGGAGGCATGCATGGATGGGAGACCTGACCTATCACGTGCCAAGGGCACACTCA-3'